The following is an entry in ClinVar:

NM_138694.4(PKHD1):c.8506G>A (p.Val2836Ile)

Gene: PKHD1 (PKHD1 ciliary IPT domain containing fibrocystin/polyductin; minus strand). Cytogenetic location: 6p12.3.
Variant type: single nucleotide variant.
Coding change: c.8506G>A on transcript NM_138694.4 (MANE Select); coding-DNA position 8506, G replaced by A.
Protein change: p.Val2836Ile; replaces valine 2836 with isoleucine.
Molecular consequence: missense variant.
Genome position (GRCh38, 1-based): chr6:51,775,856, C>T on the plus strand (G>A on the coding strand, the complement: PKHD1 is on the minus strand). VCF-style: chr6-51775856-C-T. GRCh37 (hg19) VCF-style: chr6-51640654-C-T.
Other names: c.8506G>A, p.Val2836Ile (NM_170724.3); c.8506G>A (NM_138694.3); short protein forms V2836I.
Identifiers: ClinVar variation 1584347 (VCV001584347.10), dbSNP rs749536372, ClinGen allele CA3851609.

ClinVar aggregate classification (germline): Conflicting classifications of pathogenicity. Review status: criteria provided, conflicting classifications (1 of 4 stars). 3 submissions from 3 submitters: Uncertain significance (1); Likely benign (2). Last evaluated 2026-04-21.

Conditions:
PKHD1-related disorder. Also called: PKHD1-related condition.
Autosomal recessive polycystic kidney disease (ARPKD). Also called: AR polycystic kidney disease. Identifiers: Orphanet 731, Orphanet 8378, MedGen C0085548, MeSH D017044, MONDO:0009889.
Inborn genetic diseases. Identifiers: MedGen C0950123, MeSH D030342.

Allele frequency attached by ClinVar (database versions not stated): gnomAD 0.00001; gnomAD exomes 0.00001 and 0.00004; TOPMed 0.00002; ExAC 0.00003.
gnomAD v4.1: 10 of 1,600,142 alleles (0.00062%); highest among the groups gnomAD compares: East Asian, 0.02%; no homozygotes.

Submissions (3):

PreventionGenetics, part of Exact Sciences
Classification: Uncertain significance for PKHD1-related condition. Last evaluated: 2026-04-21. Review status: criteria provided, single submitter. Criteria: ACMG Guidelines, 2015. Collection method: clinical testing. Allele origin: germline.
Comment: The PKHD1 c.8506G>A variant is predicted to result in the amino acid substitution p.Val2836Ile. To our knowledge, this variant has not been reported in the literature. This variant is reported in 0.060% of alleles in individuals of East Asian descent in gnomAD. At this time, the clinical significance of this variant is uncertain due to the absence of conclusive functional and genetic evidence.

Ambry Genetics
Classification: Likely benign for Inborn genetic diseases. Last evaluated: 2024-02-05. Review status: criteria provided, single submitter. Criteria: Ambry Variant Classification Scheme 2023. Collection method: clinical testing. Allele origin: germline.

Labcorp Genetics (formerly Invitae), Labcorp
Classification: Likely benign for Autosomal recessive polycystic kidney disease. Last evaluated: 2023-10-12. Review status: criteria provided, single submitter. Criteria: Invitae Variant Classification Sherloc (09022015). Collection method: clinical testing. Allele origin: germline.